The following is an entry in ClinVar:

ClinVar aggregate classification (germline): Benign/Likely benign. Review status: criteria provided, multiple submitters, no conflicts (2 of 4 stars). 4 submissions from 4 submitters: Benign (1); Likely benign (2). 1 of the submissions does not count toward it. Last evaluated 2025-12-21.

Conditions:
Retinal dystrophy. Also called: Inherited retinal dystrophy. Identifiers: Orphanet 71862, MedGen C0854723, MeSH D058499, MONDO:0019118, HP:0000556.
AGBL5-related disorder. Also called: AGBL5-related condition.

Allele frequency attached by ClinVar (database versions not stated): ESP Exome Variant Server 0.00038; gnomAD exomes 0.00059; ExAC 0.00065; 1000 Genomes Project 0.00160; 1000 Genomes Project 30x 0.00203.
gnomAD v4.1: 342 of 1,614,076 alleles (0.021%); highest among the groups gnomAD compares: East Asian, 0.49%; no homozygotes.

Submissions (5):

Labcorp Genetics (formerly Invitae), Labcorp
Classification: Benign. Last evaluated: 2025-12-21. Review status: criteria provided, single submitter. Criteria: Invitae Variant Classification Sherloc (09022015). Collection method: clinical testing. Allele origin: germline.

Blueprint Genetics
Classification: Likely benign. Last evaluated: 2024-07-12. Review status: criteria provided, single submitter. Criteria: ACMG Guidelines, 2015. Collection method: clinical testing. Allele origin: germline.

Dept Of Ophthalmology, Nagoya University
Classification: Likely benign for Retinal dystrophy. Last evaluated: 2023-10-01. Review status: criteria provided, single submitter. Criteria: Submitter's publication. Collection method: research. Allele origin: germline. Affected: yes.

PreventionGenetics, part of Exact Sciences
Classification: Likely benign for AGBL5-related condition. Last evaluated: 2019-06-26. Review status: no assertion criteria provided. Collection method: clinical testing. Allele origin: germline. Not counted in ClinVar's aggregate classification.
Comment: This variant is classified as likely benign based on ACMG/AMP sequence variant interpretation guidelines (Richards et al. 2015 PMID: 25741868, with internal and published modifications).

Dr. Peter K. Rogan Lab, Western University
No classification provided (evidence only). Condition: Clear cell carcinoma of kidney. Review status: no classification provided. Collection method: in vitro. Allele origin: not applicable. Functional consequence: retained intron. Not counted in ClinVar's aggregate classification.

NM_021831.6(AGBL5):c.2438G>A (p.Arg813Gln)

Gene: AGBL5 (AGBL carboxypeptidase 5; plus strand). Cytogenetic location: 2p23.3.
Variant type: single nucleotide variant.
Coding change: c.2438G>A on transcript NM_021831.6 (MANE Select); coding-DNA position 2438, G replaced by A.
Protein change: p.Arg813Gln; replaces arginine 813 with glutamine.
Molecular consequence: missense variant. On other transcripts: non-coding transcript variant (2).
Genome position (GRCh38, 1-based): chr2:27,069,655, G>A. VCF-style: chr2-27069655-G-A. GRCh37 (hg19) VCF-style: chr2-27292523-G-A.
Other names: c.2438G>A (NM_021831.5); short protein forms R813Q.
Identifiers: ClinVar variation 1167270 (VCV001167270.14), dbSNP rs183748586, ClinGen allele CA1568257.
Genomic context (GRCh38, chr2:27,069,655, plus strand): 5'-GCTCACCGCCGACTCGCAGAGGGATGAAAGGCTCTTCAGGCCCCACATCCCCTACCCCCC[G>A]GACCAGGGAGAGCAGTGAGCTGGAGCTGGGATCCTGCTCTGCTACACCAGGGTGAGCACT-3'
Protein context (NP_068603.4, residues 803-823): GSSGPTSPTP[Arg813Gln]TRESSELELG